The following is an entry in ClinVar:

ClinVar aggregate classification (germline): Uncertain significance (1 of 4 stars; one submission).

Allele frequency attached by ClinVar (database versions not stated): ExAC 0.00001; gnomAD 0.00001; gnomAD exomes 0.00001 and 0.00002; TOPMed 0.00002; ESP Exome Variant Server 0.00008.
gnomAD v4.1: 28 of 1,613,668 alleles (0.0017%); highest among the groups gnomAD compares: African/African-American, 0.0027%; no homozygotes.

Submission:

Labcorp Genetics (formerly Invitae), Labcorp
Classification: Uncertain significance. Last evaluated: 2024-04-05. Review status: criteria provided, single submitter. Criteria: Invitae Variant Classification Sherloc (09022015). Collection method: clinical testing. Allele origin: germline.
Comment: This sequence change replaces arginine, which is basic and polar, with glutamine, which is neutral and polar, at codon 176 of the ADAMTSL4 protein (p.Arg176Gln). This variant is present in population databases (rs146358482, gnomAD 0.002%). This variant has not been reported in the literature in individuals affected with ADAMTSL4-related conditions. ClinVar contains an entry for this variant (Variation ID: 1410106). Advanced modeling of protein sequence and biophysical properties (such as structural, functional, and spatial information, amino acid conservation, physicochemical variation, residue mobility, and thermodynamic stability) performed at Invitae indicates that this missense variant is not expected to disrupt ADAMTSL4 protein function with a negative predictive value of 80%. In summary, the available evidence is currently insufficient to determine the role of this variant in disease. Therefore, it has been classified as a Variant of Uncertain Significance.

NM_019032.6(ADAMTSL4):c.527G>A (p.Arg176Gln)

Genes: ADAMTSL4 (ADAMTS like 4; plus strand), ADAMTSL4-AS2 (ADAMTSL4 antisense RNA 2; minus strand). Cytogenetic location: 1q21.2.
Variant type: single nucleotide variant.
Coding change: c.527G>A on transcript NM_019032.6 (MANE Select); coding-DNA position 527, G replaced by A.
Protein change: p.Arg176Gln; replaces arginine 176 with glutamine.
Molecular consequence: missense variant.
Genome position (GRCh38, 1-based): chr1:150,553,518, G>A. VCF-style: chr1-150553518-G-A. GRCh37 (hg19) VCF-style: chr1-150525994-G-A.
Other names: c.527G>A, p.Arg176Gln (NM_001288607.2, NM_001288608.2, NM_001378596.1 and 1 more transcripts); short protein forms R176Q.
Identifiers: ClinVar variation 1410106 (VCV001410106.4), dbSNP rs146358482, ClinGen allele CA1077982.